The following is an entry in ClinVar:

ClinVar aggregate classification (germline): Uncertain significance (1 of 4 stars; one submission).

Submission:

New York Genome Center
Classification: Uncertain significance. Last evaluated: 2020-11-04. Review status: criteria provided, single submitter. Criteria: NYGC Assertion Criteria 2020. Collection method: clinical testing. Allele origin: germline. Observed: 1 homozygote. Study: CSER-NYCKidSeq.
Comment: The homozygous missense variant c.2626G>C, p.Gly876Arg in the OTUD7A gene has not been reported in the available literature. The variant is not presentin the gnomAD database, indicating this is a rare allele. In silicotools, predict conflicting evidence of pathogenicity (PMID: 27268795). Based on the available evidence, the c.2626G>C, p.Gly876Arg variant in the OTUD7A gene is classified as a variant of uncertain significance.

NM_001382637.1(OTUD7A):c.2647G>C (p.Gly883Arg)

Gene: OTUD7A (OTU deubiquitinase 7A; minus strand). Cytogenetic location: 15q13.3.
Variant type: single nucleotide variant.
Coding change: c.2647G>C on transcript NM_001382637.1 (MANE Select); coding-DNA position 2647, G replaced by C.
Protein change: p.Gly883Arg; replaces glycine 883 with arginine.
Molecular consequence: missense variant.
Genome position (GRCh38, 1-based): chr15:31,483,449, C>G on the plus strand (G>C on the coding strand, the complement: OTUD7A is on the minus strand). VCF-style: chr15-31483449-C-G. GRCh37 (hg19) VCF-style: chr15-31775652-C-G.
Other names: c.2626G>C, p.Gly876Arg (NM_130901.3); short protein forms G876R, G883R.
Identifiers: ClinVar variation 1213730 (VCV001213730.1), dbSNP rs2141058802, ClinGen allele CA391525465.
Genomic context (GRCh38, chr15:31,483,449, plus strand): 5'-CACAGTTCTCGCGCTGGCAGCGCCGCTGCACCGGCCCCGGGCCGCCACGGCCGCACTCAC[C>G]GTTCGAGCGCGCGGTCGGCGCGTCGGCGTCGGCGAACTCCAGGCCGTCGCGCAGGGCGCC-3'
Protein context (NP_001369566.1, residues 873-893): DADAPTARSN[Gly883Arg]ECGRGGPGPV